The following is an entry in ClinVar:

ClinVar aggregate classification (germline): Uncertain significance (1 of 4 stars; one submission).

Allele frequency attached by ClinVar (database versions not stated): gnomAD exomes below 0.00001.
gnomAD v4.1: 1 of 1,609,652 alleles (0.000062%); highest among the groups gnomAD compares: Non-Finnish European, 0.000085%; no homozygotes.

Submission:

Labcorp Genetics (formerly Invitae), Labcorp
Classification: Uncertain significance. Last evaluated: 2023-03-02. Review status: criteria provided, single submitter. Criteria: Invitae Variant Classification Sherloc (09022015). Collection method: clinical testing. Allele origin: germline.
Comment: This variant is not present in population databases (gnomAD no frequency). This variant has not been reported in the literature in individuals affected with NFATC1-related conditions. An algorithm developed to predict the effect of missense changes on protein structure and function (PolyPhen-2) suggests that this variant is likely to be disruptive. In summary, the available evidence is currently insufficient to determine the role of this variant in disease. Therefore, it has been classified as a Variant of Uncertain Significance. This sequence change replaces isoleucine, which is neutral and non-polar, with valine, which is neutral and non-polar, at codon 585 of the NFATC1 protein (p.Ile585Val).

NM_001278669.2(NFATC1):c.1753A>G (p.Ile585Val)

Gene: NFATC1 (nuclear factor of activated T cells 1; plus strand). Cytogenetic location: 18q23.
Variant type: single nucleotide variant.
Coding change: c.1753A>G on transcript NM_001278669.2 (MANE Select); coding-DNA position 1753, A replaced by G.
Protein change: p.Ile585Val; replaces isoleucine 585 with valine.
Molecular consequence: missense variant.
Genome position (GRCh38, 1-based): chr18:79,451,117, A>G. VCF-style: chr18-79451117-A-G. GRCh37 (hg19) VCF-style: chr18-77211117-A-G.
Other names: c.1753A>G, p.Ile585Val (NM_001278670.2, NM_006162.5, NM_172390.3); c.1714A>G, p.Ile572Val (NM_001278672.2, NM_001278675.2, NM_172387.3 and 1 more transcripts); c.337A>G, p.Ile113Val (NM_001278673.2, NM_172388.3); short protein forms I113V, I585V, I572V.
Identifiers: ClinVar variation 2791028 (VCV002791028.3), dbSNP rs2512041788, ClinGen allele CA402821782.